The following is an entry in ClinVar:

NM_000169.3(GLA):c.851T>C (p.Met284Thr)

Genes: GLA (galactosidase alpha; minus strand), RPL36A-HNRNPH2 (RPL36A-HNRNPH2 readthrough; plus strand). Cytogenetic location: Xq22.1.
Variant type: single nucleotide variant.
Coding change: c.851T>C on transcript NM_000169.3 (MANE Select); coding-DNA position 851, T replaced by C.
Protein change: p.Met284Thr; replaces methionine 284 with threonine.
Molecular consequence: missense variant. On other transcripts: non-coding transcript variant (3), intron variant (2).
Genome position (GRCh38, 1-based): chrX:101,398,518, A>G on the plus strand (T>C on the coding strand, the complement: GLA is on the minus strand). VCF-style: chrX-101398518-A-G. GRCh37 (hg19) VCF-style: chrX-100653506-A-G.
Other names: c.974T>C, p.Met325Thr (NM_001406747.1); c.851T>C, p.Met284Thr (NM_001406748.1); c.300+3061A>G (NM_001199973.2); c.177+6696A>G (NM_001199974.2); short protein forms M284T, M325T.
Identifiers: ClinVar variation 928485 (VCV000928485.6), dbSNP rs1928171557, ClinGen allele CA413922855.
Genomic context (GRCh38, chrX:101,398,518, plus strand): 5'-CTGATGTGTCGGAGGTCATTAGACATGAATAAAGGAGCAGCCATGATAGCCCAGAGGGCC[A>G]TCTGAGTTACTTGCTGATTCCAGCTGAGGCCAAAGTTGCCAATCACTAACTGAGAAAAAG-3'
Protein context (NP_000160.1, residues 274-294): GLSWNQQVTQ[Met284Thr]ALWAIMAAPL

ClinVar aggregate classification (germline): Pathogenic. Review status: criteria provided, multiple submitters, no conflicts (2 of 4 stars). 3 submissions from 3 submitters: Pathogenic (3). Last evaluated 2026-09-08.

Conditions:
Fabry disease. Also called: Fabry's disease; Angiokeratoma corporis diffusum; CERAMIDE TRIHEXOSIDASE DEFICIENCY; GLA DEFICIENCY; HEREDITARY DYSTOPIC LIPIDOSIS; ALPHA-GALACTOSIDASE A DEFICIENCY. Identifiers: Orphanet 324, MedGen C0002986, MONDO:0010526, OMIM 301500, HP:0001071. Disease mechanism: loss of function, Fabry disease is due to inactivating mutations in the X-linked GLA gene resulting in deficiency of the enzyme Alpha Galactosidase-A..

Submissions (3):

Genomenon, Inc
Classification: Pathogenic for Fabry disease. Last evaluated: 2026-09-08. Review status: criteria provided, single submitter. Criteria: Genomenon Sequence Variant Interpretation Standards - Updated. Collection method: curation. Allele origin: germline. Affected: yes.
Comment: GLA p.Met284Thr (c.851T>C) is a missense variant that changes the amino acid at codon 284 from Methionine to Threonine. This variant has been observed in at least one proband with clinical features consistent with Fabry disease (PMID:27657681;33301762;36595126;32719972;23430848;8807334;26252393;28975874;28499424;27834756;25468650;37607539;22551898;39990892;30723321). The variant was found to segregate with disease in at least one affected family (PMID:28975874;23430848;12512750;33301762). At least one functional study has demonstrated a substantial alteration in protein function relative to the wild-type (PMID:30723321;27657681). It is absent or not present at a significant frequency in gnomAD. In silico models predict that this variant is possibly or probably damaging. In conclusion, we classify GLA p.Met284Thr (c.851T>C) as a pathogenic variant.

Labcorp Genetics (formerly Invitae), Labcorp
Classification: Pathogenic for Fabry disease. Last evaluated: 2023-03-26. Review status: criteria provided, single submitter. Criteria: Invitae Variant Classification Sherloc (09022015). Collection method: clinical testing. Allele origin: germline.
Comment: For these reasons, this variant has been classified as Pathogenic. Advanced modeling of protein sequence and biophysical properties (such as structural, functional, and spatial information, amino acid conservation, physicochemical variation, residue mobility, and thermodynamic stability) performed at Invitae indicates that this missense variant is expected to disrupt GLA protein function. ClinVar contains an entry for this variant (Variation ID: 928485). This missense change has been observed in individual(s) with Fabry disease (PMID: 8807334, 33204599, 33301762). This variant is not present in population databases (gnomAD no frequency). This sequence change replaces methionine, which is neutral and non-polar, with threonine, which is neutral and polar, at codon 284 of the GLA protein (p.Met284Thr).

Women's Health and Genetics/Laboratory Corporation of America, LabCorp
Classification: Pathogenic for Fabry disease. Last evaluated: 2019-08-06. Review status: criteria provided, single submitter. Criteria: LabCorp Variant Classification Summary - May 2015. Collection method: clinical testing. Allele origin: germline.
Comment: Variant summary: GLA c.851T>C (p.Met284Thr) results in a non-conservative amino acid change in the encoded protein sequence. Five of five in-silico tools predict a damaging effect of the variant on protein function. The variant was absent in 183433 control chromosomes (gnomAD). c.851T>C has been reported in the literature in individuals affected with Fabry Disease (Blanch_1996, Fuller_2015, Benjamin_2017). Affected individuals were found to have <10% normal activity (Benjamin_2017). These data indicate that the variant is likely to be associated with disease. No clinical diagnostic laboratories have submitted clinical-significance assessments for this variant to ClinVar after 2014. Based on the evidence outlined above, the variant was classified as pathogenic.

Literature cited by the submitters: PubMed 27657681 (cited by Genomenon, Inc and Women's Health and Genetics/Laboratory Corporation of America, LabCorp); PubMed 33301762 (cited by Genomenon, Inc and Labcorp Genetics (formerly Invitae), Labcorp); PubMed 36595126 (cited by Genomenon, Inc); PubMed 32719972 (cited by Genomenon, Inc); PubMed 23430848 (cited by Genomenon, Inc); PubMed 8807334 (cited by 3 submitters); PubMed 26252393 (cited by Genomenon, Inc); PubMed 28975874 (cited by Genomenon, Inc); PubMed 28499424 (cited by Genomenon, Inc); PubMed 27834756 (cited by Genomenon, Inc); PubMed 25468650 (cited by Genomenon, Inc and Women's Health and Genetics/Laboratory Corporation of America, LabCorp); PubMed 37607539 (cited by Genomenon, Inc); PubMed 22551898 (cited by Genomenon, Inc); PubMed 39990892 (cited by Genomenon, Inc); PubMed 30723321 (cited by Genomenon, Inc); PubMed 12512750 (cited by Genomenon, Inc); PubMed 33204599 (cited by Labcorp Genetics (formerly Invitae), Labcorp); PubMed 25382311 (cited by Women's Health and Genetics/Laboratory Corporation of America, LabCorp); PubMed 12359124 (cited by Women's Health and Genetics/Laboratory Corporation of America, LabCorp).